The following is an entry in ClinVar:

ClinVar aggregate classification (germline): Uncertain significance (1 of 4 stars; one submission).

Submission:

Women's Health and Genetics/Laboratory Corporation of America, LabCorp
Classification: Uncertain significance. Last evaluated: 2025-03-19. Review status: criteria provided, single submitter. Criteria: LabCorp Variant Classification Summary - May 2015. Collection method: clinical testing. Allele origin: germline.
Comment: Variant summary: CACNA1G c.3043delG (p.Asp1015ThrfsX69) results in a premature termination codon, predicted to cause a truncation of the encoded protein or absence of the protein due to nonsense mediated decay, however current evidence is not sufficient to establish loss of function as a mechanism for disease. The variant was absent in 249280 control chromosomes. The available data on variant occurrences in the general population are insufficient to allow any conclusion about variant significance. To our knowledge, no occurrence of c.3043delG in individuals affected with Spinocerebellar Ataxia Type 42 and no experimental evidence demonstrating its impact on protein function have been reported. No submitters have cited clinical-significance assessments for this variant to ClinVar. Based on the evidence outlined above, the variant was classified as uncertain significance.

NM_018896.5(CACNA1G):c.3043del (p.Asp1015fs)

Gene: CACNA1G (calcium voltage-gated channel subunit alpha1 G; plus strand). Cytogenetic location: 17q21.33.
Variant type: Deletion.
Coding change: c.3043del on transcript NM_018896.5 (MANE Select); coding-DNA position 3043, one base deleted (G; older notation c.3043delG).
Protein change: p.Asp1015fs; shifts the reading frame from aspartic acid 1015.
Molecular consequence: frameshift variant. On other transcripts: non-coding transcript variant (5).
Genome position (GRCh38, 1-based): chr17:50,596,625, G deleted; the last of 4 consecutive G bases (chr17:50,596,622-50,596,625); deleting any one gives the same sequence. VCF-style (leftmost placement, unchanged base first): chr17-50596621-TG-T. GRCh37 (hg19) VCF-style: chr17-48673982-TG-T.
Other names: c.3043del, p.Asp1015fs (NM_001256324.2, NM_001256325.2, NM_001256326.2 and 16 more transcripts); c.2974del, p.Asp992fs (NM_001256332.2, NM_198376.3, NM_198379.3 and 5 more transcripts); c.3043delG (NM_018896.5); short protein forms D1015fs, D992fs.
Identifiers: ClinVar variation 3896076 (VCV003896076.1).